The following is an entry in ClinVar:

ClinVar aggregate classification (germline): Uncertain significance (1 of 4 stars; one submission).

Conditions:
Deficiency of acetyl-CoA acetyltransferase. Also called: 3-KETOTHIOLASE DEFICIENCY; 3-OXOTHIOLASE DEFICIENCY; MITOCHONDRIAL ACETOACETYL-CoA THIOLASE DEFICIENCY; Beta-ketothiolase deficiency. Identifiers: Orphanet 134, MedGen C1536500, MONDO:0008760, OMIM 203750. Disease mechanism: loss of function.

Allele frequency attached by ClinVar (database versions not stated): gnomAD exomes below 0.00001.

Submission:

Labcorp Genetics (formerly Invitae), Labcorp
Classification: Uncertain significance for Deficiency of acetyl-CoA acetyltransferase. Last evaluated: 2021-10-14. Review status: criteria provided, single submitter. Criteria: Invitae Variant Classification Sherloc (09022015). Collection method: clinical testing. Allele origin: germline.
Comment: This sequence change replaces alanine with threonine at codon 280 of the ACAT1 protein (p.Ala280Thr). The alanine residue is highly conserved and there is a small physicochemical difference between alanine and threonine. This variant is not present in population databases (ExAC no frequency). This variant has not been reported in the literature in individuals affected with ACAT1-related conditions. Algorithms developed to predict the effect of missense changes on protein structure and function are either unavailable or do not agree on the potential impact of this missense change (SIFT: "Tolerated"; PolyPhen-2: "Probably Damaging"; Align-GVGD: "Class C0"). In summary, the available evidence is currently insufficient to determine the role of this variant in disease. Therefore, it has been classified as a Variant of Uncertain Significance.

NM_000019.4(ACAT1):c.838G>A (p.Ala280Thr)

Gene: ACAT1 (acetyl-CoA acetyltransferase 1; plus strand). Cytogenetic location: 11q22.3.
Variant type: single nucleotide variant.
Coding change: c.838G>A on transcript NM_000019.4 (MANE Select); coding-DNA position 838, G replaced by A.
Protein change: p.Ala280Thr; replaces alanine 280 with threonine.
Molecular consequence: missense variant. On other transcripts: non-coding transcript variant (2).
Genome position (GRCh38, 1-based): chr11:108,142,448, G>A. VCF-style: chr11-108142448-G-A. GRCh37 (hg19) VCF-style: chr11-108013175-G-A.
Other names: c.838G>A, p.Ala280Thr (NM_001386677.1); c.523G>A, p.Ala175Thr (NM_001386678.1); c.541G>A, p.Ala181Thr (NM_001386679.1); c.568G>A, p.Ala190Thr (NM_001386681.1, NM_001386682.1, NM_001386685.1 and 6 more transcripts); short protein forms A175T, A190T, A181T, A280T.
Identifiers: ClinVar variation 1435678 (VCV001435678.5), dbSNP rs1318357125, ClinGen allele CA382507964.